The following is an entry in ClinVar:

NM_000543.5(SMPD1):c.319-1G>A

Gene: SMPD1 (sphingomyelin phosphodiesterase 1; plus strand). Cytogenetic location: 11p15.4.
Variant type: single nucleotide variant.
Coding change: c.319-1G>A on transcript NM_000543.5 (MANE Select); the canonical splice acceptor site of the intron before coding-DNA position 319, G replaced by A.
Molecular consequence: splice acceptor variant. On other transcripts: intron variant (1).
Genome position (GRCh38, 1-based): chr11:6,391,383, G>A. VCF-style: chr11-6391383-G-A. GRCh37 (hg19) VCF-style: chr11-6412613-G-A.
Other names: c.-643-1G>A (NM_001318088.2); c.319-1G>A (NM_001365135.2, NM_001318087.2); c.319-4G>A (NM_001007593.3).
Identifiers: ClinVar variation 1347817 (VCV001347817.9), dbSNP rs1352986086, ClinGen allele CA379368648.
Genomic context (GRCh38, chr11:6,391,383, plus strand): 5'-GGGTTGGCCTGGTTCCTCTGCTCTGCCTCTGATTTCTCACCATGCGCTCCTCCCACTGCA[G>A]AAGGAACCCAATGTGGCTCGCGTGGGCTCCGTGGCCATCAAGCTGTGCAATCTGCTGAAG-3'

ClinVar aggregate classification (germline): Likely pathogenic. Review status: criteria provided, multiple submitters, no conflicts (2 of 4 stars). 2 submissions from 2 submitters: Likely pathogenic (2). Last evaluated 2024-03-01.

Conditions:
Niemann-Pick disease, type A. Also called: SPHINGOMYELIN LIPIDOSIS; SPHINGOMYELINASE DEFICIENCY; Infantile Neurovisceral ASMD (Niemann-Pick Disease Type A; NPD-A). Identifiers: Orphanet 77292, MedGen C0268242, MONDO:0009756, OMIM 257200. Disease mechanism: loss of function.
Niemann-Pick disease, type B. Also called: Chronic Visceral ASMD (Niemann-Pick Disease Type B; NPD-B). Identifiers: Orphanet 77293, MedGen C0268243, MONDO:0011871, OMIM 607616. Disease mechanism: loss of function.

Allele frequency attached by ClinVar (database versions not stated): gnomAD exomes below 0.00001; TOPMed below 0.00001; gnomAD 0.00001.
gnomAD v4.1: 7 of 1,612,286 alleles (0.00043%); highest among the groups gnomAD compares: Non-Finnish European, 0.00059%; no homozygotes.

Submissions (2):

Labcorp Genetics (formerly Invitae), Labcorp
Classification: Likely pathogenic for Niemann-Pick disease, type B; Niemann-Pick disease, type A. Last evaluated: 2024-03-01. Review status: criteria provided, single submitter. Criteria: Invitae Variant Classification Sherloc (09022015). Collection method: clinical testing. Allele origin: germline.
Comment: This sequence change affects an acceptor splice site in intron 1 of the SMPD1 gene. It is expected to disrupt RNA splicing. Variants that disrupt the donor or acceptor splice site typically lead to a loss of protein function (PMID: 16199547), and loss-of-function variants in SMPD1 are known to be pathogenic (PMID: 12369017, 15221801). This variant is not present in population databases (gnomAD no frequency). This variant has not been reported in the literature in individuals affected with SMPD1-related conditions. ClinVar contains an entry for this variant (Variation ID: 1347817). Algorithms developed to predict the effect of sequence changes on RNA splicing suggest that this variant may disrupt the consensus splice site. In summary, the currently available evidence indicates that the variant is pathogenic, but additional data are needed to prove that conclusively. Therefore, this variant has been classified as Likely Pathogenic.

Baylor Genetics
Classification: Likely pathogenic for Niemann-Pick disease, type A. Last evaluated: 2024-02-19. Review status: criteria provided, single submitter. Criteria: ACMG Guidelines, 2015. Collection method: clinical testing. Allele origin: unknown.

Literature cited by the submitters: PubMed 16199547 (cited by Labcorp Genetics (formerly Invitae), Labcorp); PubMed 12369017 (cited by Labcorp Genetics (formerly Invitae), Labcorp); PubMed 15221801 (cited by Labcorp Genetics (formerly Invitae), Labcorp).